The following is an entry in ClinVar:

NM_005918.4(MDH2):c.633G>A (p.Gln211=)

Gene: MDH2 (malate dehydrogenase 2; plus strand). Cytogenetic location: 7q11.23.
Variant type: single nucleotide variant.
Coding change: c.633G>A on transcript NM_005918.4 (MANE Select); coding-DNA position 633, G replaced by A.
Protein change: p.Gln211=; no amino-acid change (glutamine 211 retained).
Molecular consequence: synonymous variant.
Genome position (GRCh38, 1-based): chr7:76,063,592, G>A. VCF-style: chr7-76063592-G-A. GRCh37 (hg19) VCF-style: chr7-75692910-G-A.
Other names: c.507G>A, p.Gln169= (NM_001282403.2); c.312G>A, p.Gln104= (NM_001282404.2).
Identifiers: ClinVar variation 4881362 (VCV004881362.2).
Genomic context (GRCh38, chr7:76,063,592, plus strand): 5'-AGTCAACGTCCCTGTCATTGGTGGCCATGCTGGGAAGACCATCATCCCCCTGATCTCTCA[G>A]GTACACGCATATGACCCTGTGAGGGGCTTCGAGGTCAGGATTCCCTTTACCAGGCCCTGC-3'
Protein context (NP_005909.2, residues 201-221): AGKTIIPLIS[Gln211=]CTPKVDFPQD

ClinVar aggregate classification (germline): Uncertain significance (1 of 4 stars; one submission).

Submission:

Dasa
Classification: Uncertain significance. Last evaluated: 2025-08-20. Review status: criteria provided, single submitter. Criteria: DASA Assertion Criteria. Collection method: clinical testing. Allele origin: germline.
Comment: NM_005918.4(MDH2):c.633G>A (p.Gln211=) is a synonymous variant predicted not to alter the encoded amino acid sequence. This variant has been observed in affected individuals with MDH2-related disorders. Also, this variant is rare in population databases. Computational prediction algorithms are consistent with a deleterious effect. The currently available literature and clinical evidence are not sufficient to establish a definitive association between this variant and the reported condition. Therefore, this variant is classified as a variant of uncertain significance.